The following is an entry in ClinVar:

NM_001165967.2(HES7):c.205C>A (p.Arg69=)

Gene: HES7 (hes family bHLH transcription factor 7; minus strand). Cytogenetic location: 17p13.1.
Variant type: single nucleotide variant.
Coding change: c.205C>A on transcript NM_001165967.2 (MANE Select); coding-DNA position 205, C replaced by A.
Protein change: p.Arg69=; no amino-acid change (arginine 69 retained).
Molecular consequence: synonymous variant.
Genome position (GRCh38, 1-based): chr17:8,122,364, G>T on the plus strand (C>A on the coding strand, the complement: HES7 is on the minus strand). VCF-style: chr17-8122364-G-T. GRCh37 (hg19) VCF-style: chr17-8025682-G-T.
Other names: c.205C>A, p.Arg69= (NM_032580.4).
Identifiers: ClinVar variation 3771516 (VCV003771516.13).

ClinVar aggregate classification (germline): Likely benign (1 of 4 stars; one submission).

gnomAD v4.1: 4 of 1,595,632 alleles (0.00025%); highest among the groups gnomAD compares: South Asian, 0.0011%; no homozygotes.

Submission:

CeGaT Center for Human Genetics Tuebingen
Classification: Likely benign. Last evaluated: 2025-02-01. Review status: criteria provided, single submitter. Criteria: CeGaT Center For Human Genetics Tuebingen Variant Classification Criteria Version 2. Collection method: clinical testing. Allele origin: germline. Affected: yes. Observed: 1 variant allele.
Comment: HES7: BP4, BP7